The following is an entry in ClinVar:

ClinVar aggregate classification (germline): Uncertain significance. Review status: criteria provided, multiple submitters, no conflicts (2 of 4 stars). 5 submissions from 5 submitters: Uncertain significance (5). Last evaluated 2025-07-03.

Conditions:
Hereditary cancer-predisposing syndrome. Also called: Hereditary neoplastic syndrome; Neoplastic Syndromes, Hereditary; Tumor predisposition; Hereditary Cancer Syndrome. Identifiers: Orphanet 140162, MedGen C0027672, MeSH D009386, MONDO:0015356.
Familial adenomatous polyposis 1 (FAP1). Also called: FAMILIAL ADENOMATOUS POLYPOSIS 1, ATTENUATED; POLYPOSIS, ADENOMATOUS INTESTINAL. Identifiers: MedGen C2713442, MONDO:0021056, OMIM 175100. Disease mechanism: loss of function.

gnomAD v4.1: 1 of 1,614,016 alleles (0.000062%); no homozygotes.

Submissions (5):

Ambry Genetics
Classification: Uncertain significance for Hereditary cancer-predisposing syndrome. Last evaluated: 2025-07-03. Review status: criteria provided, single submitter. Criteria: Ambry Variant Classification Scheme 2023. Collection method: clinical testing. Allele origin: germline.
Comment: The p.T2422P variant (also known as c.7264A>C), located in coding exon 15 of the APC gene, results from an A to C substitution at nucleotide position 7264. The threonine at codon 2422 is replaced by proline, an amino acid with highly similar properties. This amino acid position is well conserved in available vertebrate species. In addition, in silico predictors for this gene do not accurately predict pathogenicity. Missense alterations in APC are not a common cause of disease (Spier I et al. Genet Med. 2024 Feb;26(2):100992). Based on the available evidence, the clinical significance of this variant remains unclear.

Baylor Genetics
Classification: Uncertain significance for Familial adenomatous polyposis 1. Last evaluated: 2023-06-02. Review status: criteria provided, single submitter. Criteria: ACMG Guidelines, 2015. Collection method: clinical testing. Allele origin: unknown.

Labcorp Genetics (formerly Invitae), Labcorp
Classification: Uncertain significance for Familial adenomatous polyposis 1. Last evaluated: 2022-10-13. Review status: criteria provided, single submitter. Criteria: Invitae Variant Classification Sherloc (09022015). Collection method: clinical testing. Allele origin: germline.
Comment: ClinVar contains an entry for this variant (Variation ID: 246162). In summary, the available evidence is currently insufficient to determine the role of this variant in disease. Therefore, it has been classified as a Variant of Uncertain Significance. Advanced modeling of protein sequence and biophysical properties (such as structural, functional, and spatial information, amino acid conservation, physicochemical variation, residue mobility, and thermodynamic stability) performed at Invitae indicates that this missense variant is not expected to disrupt APC protein function. This variant has not been reported in the literature in individuals affected with APC-related conditions. This variant is present in population databases (no rsID available, gnomAD 0.0009%). This sequence change replaces threonine, which is neutral and polar, with proline, which is neutral and non-polar, at codon 2422 of the APC protein (p.Thr2422Pro).

Color Diagnostics, LLC DBA Color Health
Classification: Uncertain significance for Hereditary cancer-predisposing syndrome. Last evaluated: 2021-05-17. Review status: criteria provided, single submitter. Criteria: ACMG Guidelines, 2015. Collection method: clinical testing. Allele origin: germline.
Comment: This missense variant replaces threonine with proline at codon 2422 of the APC protein. Computational prediction suggests that this variant may not impact protein structure and function (internally defined REVEL score threshold <= 0.5, PMID: 27666373). To our knowledge, functional studies have not been reported for this variant. This variant has not been reported in individuals affected with hereditary cancer in the literature. This variant has been identified in 1/250322 chromosomes in the general population by the Genome Aggregation Database (gnomAD). The available evidence is insufficient to determine the role of this variant in disease conclusively. Therefore, this variant is classified as a Variant of Uncertain Significance.

GeneDx
Classification: Uncertain significance. Last evaluated: 2015-11-23. Review status: criteria provided, single submitter. Criteria: GeneDx Variant Classification (06012015). Collection method: clinical testing. Allele origin: germline. Affected: yes.
Comment: This variant is denoted APC c.7264A>C at the cDNA level, p.Thr2422Pro (T2422P) at the protein level, and results in the change of a Threonine to a Proline (ACT>CCT). This variant has not, to our knowledge, been published in the literature as pathogenic or benign. APC Thr2422Pro was not observed in approximately 6,500 individuals of European and African American ancestry in the NHLBI Exome Sequencing Project, suggesting it is not a common benign variant in these populations. Since Threonine and Proline differ in polarity, charge, size or other properties, this is considered a non-conservative amino acid substitution. APC Thr2422Pro occurs at a position that is conserved in mammals and is not located in a known functional domain (Azzopardi 2008). In silico analyses predict that this variant is probably damaging to protein structure and function. Based on currently available evidence, it is unclear whether APC Thr2422Pro is a pathogenic or benign variant. We consider it to be a variant of uncertain significance.

NM_000038.6(APC):c.7264A>C (p.Thr2422Pro)

Gene: APC (APC regulator of Wnt signaling pathway; plus strand). Cytogenetic location: 5q22.2.
Variant type: single nucleotide variant.
Coding change: c.7264A>C on transcript NM_000038.6 (MANE Select); coding-DNA position 7264, A replaced by C.
Protein change: p.Thr2422Pro; replaces threonine 2422 with proline.
Molecular consequence: missense variant.
Genome position (GRCh38, 1-based): chr5:112,842,858, A>C. VCF-style: chr5-112842858-A-C. GRCh37 (hg19) VCF-style: chr5-112178555-A-C.
Other names: c.7264A>C, p.Thr2422Pro (NM_001127510.3, NM_001354895.2); c.7210A>C, p.Thr2404Pro (NM_001127511.3); c.7318A>C, p.Thr2440Pro (NM_001354896.2); c.7294A>C, p.Thr2432Pro (NM_001354897.2); c.7189A>C, p.Thr2397Pro (NM_001354898.2); c.7180A>C, p.Thr2394Pro (NM_001354899.2); c.7141A>C, p.Thr2381Pro (NM_001354900.2); c.7087A>C, p.Thr2363Pro (NM_001354901.2); and 5 more; short protein forms T2404P, T2422P, T2321P, T2331P, T2440P, T2139P, T2262P, T2394P.
Identifiers: ClinVar variation 246162 (VCV000246162.17), dbSNP rs730881260, ClinGen allele CA10584264.